The following is an entry in ClinVar:

ClinVar aggregate classification (germline): Likely benign (0 of 4 stars; one submission).

Conditions:
UNC13A-related disorder. Also called: UNC13A-related condition.

gnomAD v4.1: 14 of 1,613,802 alleles (0.00087%); highest among the groups gnomAD compares: African/African-American, 0.0013%; no homozygotes.

Submission:

PreventionGenetics, part of Exact Sciences
Classification: Likely benign for UNC13A-related condition. Last evaluated: 2024-06-26. Review status: no assertion criteria provided. Collection method: clinical testing. Allele origin: germline.
Comment: This variant is classified as likely benign based on ACMG/AMP sequence variant interpretation guidelines (Richards et al. 2015 PMID: 25741868, with internal and published modifications).

NM_001080421.3(UNC13A):c.1506C>T (p.Leu502=)

Gene: UNC13A (unc-13 homolog A; minus strand). Cytogenetic location: 19p13.11.
Variant type: single nucleotide variant.
Coding change: c.1506C>T on transcript NM_001080421.3 (MANE Select); coding-DNA position 1506, C replaced by T.
Protein change: p.Leu502=; no amino-acid change (leucine 502 retained).
Molecular consequence: synonymous variant.
Genome position (GRCh38, 1-based): chr19:17,649,521, G>A on the plus strand (C>T on the coding strand, the complement: UNC13A is on the minus strand). VCF-style: chr19-17649521-G-A. GRCh37 (hg19) VCF-style: chr19-17760330-G-A.
Other names: c.1506C>T, p.Leu502= (NM_001387021.1, NM_001387022.1, NM_001387023.1).
Identifiers: ClinVar variation 3354858 (VCV003354858.1).